The following is an entry in ClinVar:

NM_015375.3(DSTYK):c.1429G>T (p.Ala477Ser)

Gene: DSTYK (dual serine/threonine and tyrosine protein kinase; minus strand). Cytogenetic location: 1q32.1.
Variant type: single nucleotide variant.
Coding change: c.1429G>T on transcript NM_015375.3 (MANE Select); coding-DNA position 1429, G replaced by T.
Protein change: p.Ala477Ser; replaces alanine 477 with serine.
Molecular consequence: missense variant.
Genome position (GRCh38, 1-based): chr1:205,163,851, C>A on the plus strand (G>T on the coding strand, the complement: DSTYK is on the minus strand). VCF-style: chr1-205163851-C-A. GRCh37 (hg19) VCF-style: chr1-205132979-C-A.
Other names: c.1429G>T, p.Ala477Ser (NM_199462.3); short protein forms A477S.
Identifiers: ClinVar variation 4245195 (VCV004245195.3).

ClinVar aggregate classification (germline): Uncertain significance. Review status: criteria provided, multiple submitters, no conflicts (2 of 4 stars). 2 submissions from 2 submitters: Uncertain significance (2). Last evaluated 2025-08-30.

gnomAD v4.1: 8 of 1,614,166 alleles (0.0005%); highest among the groups gnomAD compares: Middle Eastern, 0.016%; no homozygotes.

Submissions (2):

Ambry Genetics
Classification: Uncertain significance. Last evaluated: 2025-08-30. Review status: criteria provided, single submitter. Criteria: Ambry Variant Classification Scheme 2023. Collection method: clinical testing. Allele origin: germline.

Dasa
Classification: Uncertain significance. Last evaluated: 2025-02-20. Review status: criteria provided, single submitter. Criteria: DASA Assertion Criteria. Collection method: clinical testing. Allele origin: germline.
Comment: NM_015375.3(DSTYK):c.1429G>T (p.Ala477Ser) is a missense variant that results in the substitution of alanine with serine. This variant is rare in population databases. The currently available literature and clinical evidence are not sufficient to establish a definitive association between this variant and the reported condition. Therefore, this variant is classified as a variant of uncertain significance.